The following is an entry in ClinVar:

ClinVar aggregate classification (germline): Benign (1 of 4 stars; one submission).

Allele frequency attached by ClinVar (database versions not stated): gnomAD 0.27581 and 0.28479; 1000 Genomes Project 0.27875; 1000 Genomes Project 30x 0.28810; TOPMed 0.29316.
gnomAD v4.1: 41,806 of 152,202 alleles (27%); highest among the groups gnomAD compares: African/African-American, 59%; 8,828 homozygotes.

Submission:

GeneDx
Classification: Benign. Last evaluated: 2018-06-18. Review status: criteria provided, single submitter. Criteria: GeneDx Variant Classification (06012015). Collection method: clinical testing. Allele origin: germline. Affected: yes.
Comment: This variant is considered likely benign or benign based on one or more of the following criteria: it is a conservative change, it occurs at a poorly conserved position in the protein, it is predicted to be benign by multiple in silico algorithms, and/or has population frequency not consistent with disease.

NM_006440.5(TXNRD2):c.1276-234C>G

Gene: TXNRD2 (thioredoxin reductase 2; minus strand). Cytogenetic location: 22q11.21.
Variant type: single nucleotide variant.
Coding change: c.1276-234C>G on transcript NM_006440.5 (MANE Select); 234 bases into the intron before coding-DNA position 1276, C replaced by G.
Molecular consequence: intron variant.
Genome position (GRCh38, 1-based): chr22:19,878,671, G>C on the plus strand (C>G on the coding strand, the complement: TXNRD2 is on the minus strand). VCF-style: chr22-19878671-G-C. GRCh37 (hg19) VCF-style: chr22-19866194-G-C.
Other names: c.1273-234C>G (NM_001352300.2); c.988-234C>G (NM_001352302.2); c.1186-234C>G (NM_001352301.2).
Identifiers: ClinVar variation 678018 (VCV000678018.1), dbSNP rs5993849, ClinGen allele CA14920331.